The following is an entry in ClinVar:

NM_000143.4(FH):c.556-3C>T

Gene: FH (fumarate hydratase; minus strand). Cytogenetic location: 1q43.
Variant type: single nucleotide variant.
Coding change: c.556-3C>T on transcript NM_000143.4 (MANE Select); 3 bases into the intron before coding-DNA position 556, C replaced by T.
Molecular consequence: intron variant.
Genome position (GRCh38, 1-based): chr1:241,508,788, G>A on the plus strand (C>T on the coding strand, the complement: FH is on the minus strand). VCF-style: chr1-241508788-G-A. GRCh37 (hg19) VCF-style: chr1-241672088-G-A.
Identifiers: ClinVar variation 1748321 (VCV001748321.2), dbSNP rs2527327614, ClinGen allele CA2580063531.

ClinVar aggregate classification (germline): Uncertain significance (1 of 4 stars; one submission).

Conditions:
Hereditary cancer-predisposing syndrome. Also called: Hereditary Cancer Syndrome; Hereditary neoplastic syndrome; Neoplastic Syndromes, Hereditary; Tumor predisposition. Identifiers: Orphanet 140162, MedGen C0027672, MeSH D009386, MONDO:0015356.

Submission:

Ambry Genetics
Classification: Uncertain significance for Hereditary cancer-predisposing syndrome. Last evaluated: 2021-05-17. Review status: criteria provided, single submitter. Criteria: Ambry Variant Classification Scheme 2023. Collection method: clinical testing. Allele origin: germline.
Comment: The c.556-3C>T intronic variant results from a C to T substitution 3 nucleotides upstream from coding exon 5 in the FH gene. This nucleotide position is highly conserved in available vertebrate species. In silico splice site analysis for this alteration is inconclusive. Since supporting evidence is limited at this time, the clinical significance of this alteration remains unclear.